The following is an entry in ClinVar:

ClinVar aggregate classification (germline): Likely benign. Review status: criteria provided, single submitter (1 of 4 stars). 2 submissions from 2 submitters: Likely benign (1). 1 of the submissions does not count toward it. Last evaluated 2025-08-30.

Conditions:
Joubert syndrome. Also called: CEREBELLOPARENCHYMAL DISORDER IV; JOUBERT-BOLTSHAUSER SYNDROME; Familial aplasia of the vermis. Identifiers: Orphanet 475, MedGen C5979921, MONDO:0018772.
Nephronophthisis. Also called: Juvenile Nephronophthisis. Identifiers: Orphanet 655, MedGen C0687120, MONDO:0019005, HP:0000090.
Meckel-Gruber syndrome. Also called: DYSENCEPHALIA SPLANCHNOCYSTICA; GRUBER SYNDROME; Dysencephalia splachnocystica. Identifiers: Orphanet 564, MedGen C0265215, MONDO:0018921.
CEP290-related disorder. Also called: CEP290-related disorders; CEP290-related condition. Identifiers: MedGen CN239314.

Allele frequency attached by ClinVar (database versions not stated): gnomAD 0.00001; gnomAD exomes 0.00002 and 0.00003; TOPMed 0.00002; ExAC 0.00003; ESP Exome Variant Server 0.00008.
gnomAD v4.1: 43 of 1,612,896 alleles (0.0027%); highest among the groups gnomAD compares: Non-Finnish European, 0.0036%; no homozygotes.

Submissions (2):

Labcorp Genetics (formerly Invitae), Labcorp
Classification: Likely benign for Joubert syndrome; Meckel-Gruber syndrome; Nephronophthisis. Last evaluated: 2025-08-30. Review status: criteria provided, single submitter. Criteria: Invitae Variant Classification Sherloc (09022015). Collection method: clinical testing. Allele origin: germline.

PreventionGenetics, part of Exact Sciences
Classification: Likely benign for CEP290-related condition. Last evaluated: 2019-05-24. Review status: no assertion criteria provided. Collection method: clinical testing. Allele origin: germline. Not counted in ClinVar's aggregate classification.
Comment: This variant is classified as likely benign based on ACMG/AMP sequence variant interpretation guidelines (Richards et al. 2015 PMID: 25741868, with internal and published modifications).

NM_025114.4(CEP290):c.3234A>G (p.Lys1078=)

Gene: CEP290 (centrosomal protein 290; minus strand). Cytogenetic location: 12q21.32.
Variant type: single nucleotide variant.
Coding change: c.3234A>G on transcript NM_025114.4 (MANE Select); coding-DNA position 3234, A replaced by G.
Protein change: p.Lys1078=; no amino-acid change (lysine 1078 retained).
Molecular consequence: synonymous variant.
Genome position (GRCh38, 1-based): chr12:88,093,845, T>C on the plus strand (A>G on the coding strand, the complement: CEP290 is on the minus strand). VCF-style: chr12-88093845-T-C. GRCh37 (hg19) VCF-style: chr12-88487622-T-C.
Other names: c.3234A>G (NM_025114.3).
Identifiers: ClinVar variation 1106214 (VCV001106214.10), dbSNP rs376027433, ClinGen allele CA6712193.
Genomic context (GRCh38, chr12:88,093,845, plus strand): 5'-TTCCAATTCAAAATTACGTTCCTCCATTTGCTTTAACGAAGTCCGTAAGTGTTCATACAT[T>C]TTTTGACAATGTTCAGCCCGCTGCCTTTCATTTAATTCCTTCATTTCCAGCATAGTTATT-3'
Protein context (NP_079390.3, residues 1068-1088): NERQRAEHCQ[Lys1078=]MYEHLRTSLK